The following is an entry in ClinVar:

ClinVar aggregate classification (germline): Conflicting classifications of pathogenicity. Review status: criteria provided, conflicting classifications (1 of 4 stars). 7 submissions from 6 submitters: Uncertain significance (3); Likely benign (3). 1 of the submissions does not count toward it. Last evaluated 2026-01-19.

Conditions:
Brain small vessel disease 1 with or without ocular anomalies (BSVD1). Also called: BRAIN SMALL VESSEL DISEASE WITH HEMORRHAGE; PORENCEPHALY, TYPE 1, AUTOSOMAL DOMINANT; GOULD SYNDROME 1; Brain small vessel disease with or without ocular anomalies. Identifiers: Orphanet 2940, Orphanet 36383, Orphanet 99810, MedGen C4755307, MONDO:0008289, OMIM 175780.
COL4A1-related disorder. Also called: COL4A1-related condition; COL4A1-related disorders. Identifiers: MedGen CN376119, MONDO:0800461.
Autosomal dominant familial hematuria-retinal arteriolar tortuosity-contractures syndrome. Also called: Hereditary Angiopathy with Nephropathy, Aneurysms, and Muscle Cramps (HANAC) Syndrome; Angiopathy, hereditary, with nephropathy, aneurysms, and muscle cramps. Identifiers: Orphanet 73229, MedGen C2673195, MONDO:0012726, OMIM 611773.

Allele frequency attached by ClinVar (database versions not stated): ExAC 0.00003; gnomAD exomes 0.00004 and 0.00005; gnomAD 0.00005 and 0.00006; TOPMed 0.00006; ESP Exome Variant Server 0.00015.
gnomAD v4.1: 62 of 1,614,100 alleles (0.0038%); highest among the groups gnomAD compares: Admixed American, 0.0083%; no homozygotes.

Submissions (7):

Labcorp Genetics (formerly Invitae), Labcorp
Classification: Uncertain significance. Last evaluated: 2026-01-19. Review status: criteria provided, single submitter. Criteria: Invitae Variant Classification Sherloc (09022015). Collection method: clinical testing. Allele origin: germline.
Comment: This sequence change replaces proline, which is neutral and non-polar, with leucine, which is neutral and non-polar, at codon 1055 of the COL4A1 protein (p.Pro1055Leu). This variant is present in population databases (rs375787099, gnomAD 0.009%). This variant has not been reported in the literature in individuals affected with COL4A1-related conditions. ClinVar contains an entry for this variant (Variation ID: 311044). Invitae Evidence Modeling of protein sequence and biophysical properties (such as structural, functional, and spatial information, amino acid conservation, physicochemical variation, residue mobility, and thermodynamic stability) has been performed for this missense variant. However, the output from this modeling did not meet the statistical confidence thresholds required to predict the impact of this variant on COL4A1 protein function. In summary, the available evidence is currently insufficient to determine the role of this variant in disease. Therefore, it has been classified as a Variant of Uncertain Significance.

CeGaT Center for Human Genetics Tuebingen
Classification: Likely benign. Last evaluated: 2025-04-01. Review status: criteria provided, single submitter. Criteria: CeGaT Center For Human Genetics Tuebingen Variant Classification Criteria Version 2. Collection method: clinical testing. Allele origin: germline. Affected: yes. Observed: 1 variant allele.
Comment: COL4A1: BP5

Revvity Omics, Revvity
Classification: Uncertain significance. Last evaluated: 2024-12-16. Review status: criteria provided, single submitter. Criteria: ACMG Guidelines, 2015. Collection method: clinical testing. Allele origin: germline.

Mayo Clinic Laboratories, Mayo Clinic
Classification: Uncertain significance. Last evaluated: 2022-06-07. Review status: criteria provided, single submitter. Criteria: ACMG Guidelines, 2015. Collection method: clinical testing. Allele origin: germline. Observed: 1 variant allele.

Illumina Laboratory Services, Illumina
Classification: Likely benign for Autosomal dominant familial hematuria-retinal arteriolar tortuosity-contractures syndrome. Last evaluated: 2018-01-13. Review status: criteria provided, single submitter. Criteria: ICSL Variant Classification Criteria 13 December 2019. Collection method: clinical testing. Allele origin: germline.
Comment: This variant was observed in the ICSL laboratory as part of a predisposition screen in an ostensibly healthy population. It had not been previously curated by ICSL or reported in the Human Gene Mutation Database (HGMD: prior to June 1st, 2018), and was therefore a candidate for classification through an automated scoring system. Utilizing variant allele frequency, disease prevalence and penetrance estimates, and inheritance mode, an automated score was calculated to assess if this variant is too frequent to cause the disease. Based on the score and internal cut-off values, a variant classified as likely benign is not then subjected to further curation. The score for this variant resulted in a classification of likely benign for this disease.

Illumina Laboratory Services, Illumina
Classification: Likely benign for Brain small vessel disease 1 with or without ocular anomalies. Last evaluated: 2018-01-13. Review status: criteria provided, single submitter. Criteria: ICSL Variant Classification Criteria 13 December 2019. Collection method: clinical testing. Allele origin: germline.
Comment: the same text as in the submission from Illumina Laboratory Services, Illumina above.

PreventionGenetics, part of Exact Sciences
Classification: Uncertain significance for COL4A1-related condition. Last evaluated: 2024-08-26. Review status: no assertion criteria provided. Collection method: clinical testing. Allele origin: germline. Not counted in ClinVar's aggregate classification.
Comment: The COL4A1 c.3164C>T variant is predicted to result in the amino acid substitution p.Pro1055Leu. This variant was reported in an individual with Marfan syndrome, but the Marfan syndrome phenotype was likely primarily caused by a de novo FBN1 variant (Aubart et al. 2018. PubMed ID: 30087447). This variant is reported in 0.0085% of alleles in individuals of Latino descent in gnomAD. At this time, the clinical significance of this variant is uncertain due to the absence of conclusive functional and genetic evidence.

Literature cited by the submitters: PubMed 30087447 (cited by Mayo Clinic Laboratories, Mayo Clinic).

NM_001845.6(COL4A1):c.3164C>T (p.Pro1055Leu)

Gene: COL4A1 (collagen type IV alpha 1 chain; minus strand). Cytogenetic location: 13q34.
Variant type: single nucleotide variant.
Coding change: c.3164C>T on transcript NM_001845.6 (MANE Select); coding-DNA position 3164, C replaced by T.
Protein change: p.Pro1055Leu; replaces proline 1055 with leucine.
Molecular consequence: missense variant.
Genome position (GRCh38, 1-based): chr13:110,175,252, G>A on the plus strand (C>T on the coding strand, the complement: COL4A1 is on the minus strand). VCF-style: chr13-110175252-G-A. GRCh37 (hg19) VCF-style: chr13-110827599-G-A.
Other names: p.Pro1055Leu; c.3164C>T (NM_001845.5); short protein forms P1055L.
Identifiers: ClinVar variation 311044 (VCV000311044.25), dbSNP rs375787099, ClinGen allele CA7047369.
Genomic context (GRCh38, chr13:110,175,252, plus strand): 5'-ACCTTTCCACGCAGAGCGCTGGTTACCTTTTCACCTCGCAGCCCTGGGATGCCTATGCCA[G>A]GTGGGCCTGCCTGCCCTTTCTCTCCTTTTGCACCTTTGTCTCCAGGTAAGCCAGGTGAAC-3'
Protein context (NP_001836.3, residues 1045-1065): AKGEKGQAGP[Pro1055Leu]GIGIPGLRGE